The following is an entry in ClinVar:

ClinVar aggregate classification (germline): Uncertain significance (1 of 4 stars; one submission).

Submission:

Labcorp Genetics (formerly Invitae), Labcorp
Classification: Uncertain significance. Last evaluated: 2020-10-07. Review status: criteria provided, single submitter. Criteria: Invitae Variant Classification Sherloc (09022015). Collection method: clinical testing. Allele origin: germline.
Comment: This sequence change replaces aspartic acid with glutamic acid at codon 2284 of the KMT2A protein (p.Asp2284Glu). The aspartic acid residue is moderately conserved and there is a small physicochemical difference between aspartic acid and glutamic acid. This variant is not present in population databases (ExAC no frequency). In summary, the available evidence is currently insufficient to determine the role of this variant in disease. Therefore, it has been classified as a Variant of Uncertain Significance. Advanced modeling of protein sequence and biophysical properties (such as structural, functional, and spatial information, amino acid conservation, physicochemical variation, residue mobility, and thermodynamic stability) performed at Invitae indicates that this missense variant is not expected to disrupt KMT2A protein function. This variant has not been reported in the literature in individuals with KMT2A-related conditions.

NM_001197104.2(KMT2A):c.6852T>A (p.Asp2284Glu)

Gene: KMT2A (lysine methyltransferase 2A; plus strand). Cytogenetic location: 11q23.3.
Variant type: single nucleotide variant.
Coding change: c.6852T>A on transcript NM_001197104.2 (MANE Select); coding-DNA position 6852, T replaced by A.
Protein change: p.Asp2284Glu; replaces aspartic acid 2284 with glutamic acid.
Molecular consequence: missense variant.
Genome position (GRCh38, 1-based): chr11:118,502,744, T>A. VCF-style: chr11-118502744-T-A. GRCh37 (hg19) VCF-style: chr11-118373459-T-A.
Other names: c.6843T>A, p.Asp2281Glu (NM_005933.4); short protein forms D2281E, D2284E.
Identifiers: ClinVar variation 1060219 (VCV001060219.9), dbSNP rs2134386373, ClinGen allele CA382803231.